The following is an entry in ClinVar:

NM_018417.6(ADCY10):c.2111A>G (p.Asp704Gly)

Gene: ADCY10 (adenylate cyclase 10; minus strand). Cytogenetic location: 1q24.2.
Variant type: single nucleotide variant.
Coding change: c.2111A>G on transcript NM_018417.6 (MANE Select); coding-DNA position 2111, A replaced by G.
Protein change: p.Asp704Gly; replaces aspartic acid 704 with glycine.
Molecular consequence: missense variant.
Genome position (GRCh38, 1-based): chr1:167,856,225, T>C on the plus strand (A>G on the coding strand, the complement: ADCY10 is on the minus strand). VCF-style: chr1-167856225-T-C. GRCh37 (hg19) VCF-style: chr1-167825463-T-C.
Other names: c.1652A>G, p.Asp551Gly (NM_001167749.3); c.1835A>G, p.Asp612Gly (NM_001297772.2); c.2111A>G (NM_018417.4); short protein forms D704G, D551G, D612G.
Identifiers: ClinVar variation 935746 (VCV000935746.9), dbSNP rs202048906, ClinGen allele CA1227736.

ClinVar aggregate classification (germline): Uncertain significance. Review status: criteria provided, multiple submitters, no conflicts (2 of 4 stars). 3 submissions from 3 submitters: Uncertain significance (3). Last evaluated 2023-01-23.

Conditions:
Familial idiopathic hypercalciuria (HCA2). Also called: Hypercalciuria, absorptive, 2; Hypercalciuria, absorptive, susceptibility to. Identifiers: MedGen C0342639, MONDO:0007748, OMIM 143870.

Allele frequency attached by ClinVar (database versions not stated): TOPMed 0.00002; gnomAD exomes 0.00003 and 0.00008; ExAC 0.00004; gnomAD 0.00005.
gnomAD v4.1: 53 of 1,613,752 alleles (0.0033%); highest among the groups gnomAD compares: Non-Finnish European, 0.00042%; no homozygotes.

Submissions (3):

Ambry Genetics
Classification: Uncertain significance. Last evaluated: 2023-01-23. Review status: criteria provided, single submitter. Criteria: Ambry Variant Classification Scheme 2023. Collection method: clinical testing. Allele origin: germline.

Fulgent Genetics
Classification: Uncertain significance for Familial idiopathic hypercalciuria. Last evaluated: 2021-12-02. Review status: criteria provided, single submitter. Criteria: ACMG Guidelines, 2015. Collection method: clinical testing. Allele origin: unknown.

Labcorp Genetics (formerly Invitae), Labcorp
Classification: Uncertain significance. Last evaluated: 2019-06-03. Review status: criteria provided, single submitter. Criteria: Invitae Variant Classification Sherloc (09022015). Collection method: clinical testing. Allele origin: germline.
Comment: In summary, the available evidence is currently insufficient to determine the role of this variant in disease. Therefore, it has been classified as a Variant of Uncertain Significance. Algorithms developed to predict the effect of missense changes on protein structure and function are either unavailable or do not agree on the potential impact of this missense change (SIFT: "Deleterious"; PolyPhen-2: "Possibly Damaging"; Align-GVGD: "Class C0"). This variant has not been reported in the literature in individuals with ADCY10-related conditions. This variant is present in population databases (rs202048906, ExAC 0.007%). This sequence change replaces aspartic acid with glycine at codon 704 of the ADCY10 protein (p.Asp704Gly). The aspartic acid residue is moderately conserved and there is a moderate physicochemical difference between aspartic acid and glycine.